The following is an entry in ClinVar:

ClinVar aggregate classification (germline): Uncertain significance (1 of 4 stars; one submission).

Conditions:
Cardiovascular phenotype. Identifiers: MedGen CN230736.

Allele frequency attached by ClinVar (database versions not stated): gnomAD exomes below 0.00001.
gnomAD v4.1: 1 of 1,613,892 alleles (0.000062%); highest among the groups gnomAD compares: Non-Finnish European, 0.000085%; no homozygotes.

Submission:

Ambry Genetics
Classification: Uncertain significance for Cardiovascular phenotype. Last evaluated: 2022-10-11. Review status: criteria provided, single submitter. Criteria: Ambry Variant Classification Scheme 2023. Collection method: clinical testing. Allele origin: germline.
Comment: The p.K237N variant (also known as c.711G>C), located in coding exon 5 of the MYOZ2 gene, results from a G to C substitution at nucleotide position 711. The lysine at codon 237 is replaced by asparagine, an amino acid with similar properties. This amino acid position is conserved. In addition, this alteration is predicted to be tolerated by in silico analysis. Since supporting evidence is limited at this time, the clinical significance of this alteration remains unclear.

NM_016599.5(MYOZ2):c.711G>C (p.Lys237Asn)

Gene: MYOZ2 (myozenin 2; plus strand). Cytogenetic location: 4q26.
Variant type: single nucleotide variant.
Coding change: c.711G>C on transcript NM_016599.5 (MANE Select); coding-DNA position 711, G replaced by C.
Protein change: p.Lys237Asn; replaces lysine 237 with asparagine.
Molecular consequence: missense variant.
Genome position (GRCh38, 1-based): chr4:119,186,116, G>C. VCF-style: chr4-119186116-G-C. GRCh37 (hg19) VCF-style: chr4-120107271-G-C.
Other names: short protein forms K237N.
Identifiers: ClinVar variation 1757268 (VCV001757268.2), dbSNP rs2529809834, ClinGen allele CA358202274.
Genomic context (GRCh38, chr4:119,186,116, plus strand): 5'-CAGGTTTATGTCCTTTGTCAATCCCCTTTCTGGCAGACGGTCCTTTAATAGGACTCCTAA[G>C]GGATGGATATCTGAGAATATTCCTATAGTGATAACAACCGAACCTACAGATGATACCACT-3'
Protein context (NP_057683.1, residues 227-247): SGRRSFNRTP[Lys237Asn]GWISENIPIV